The following is an entry in ClinVar:

NM_032634.4(PIGO):c.1891T>G (p.Cys631Gly)

Gene: PIGO (phosphatidylinositol glycan anchor biosynthesis class O; minus strand). Cytogenetic location: 9p13.3.
Variant type: single nucleotide variant.
Coding change: c.1891T>G on transcript NM_032634.4 (MANE Select); coding-DNA position 1891, T replaced by G.
Protein change: p.Cys631Gly; replaces cysteine 631 with glycine.
Molecular consequence: missense variant. On other transcripts: intron variant (2).
Genome position (GRCh38, 1-based): chr9:35,091,996, A>C on the plus strand (T>G on the coding strand, the complement: PIGO is on the minus strand). VCF-style: chr9-35091996-A-C. GRCh37 (hg19) VCF-style: chr9-35091993-A-C.
Other names: c.1344+547T>G (NM_152850.4, NM_001201484.2); short protein forms C631G.
Identifiers: ClinVar variation 452334 (VCV000452334.13), dbSNP rs371800398, ClinGen allele CA5040543.
Genomic context (GRCh38, chr9:35,091,996, plus strand): 5'-AGGAGTGGCAAACAGGTGTCTCTTCAGGGCAACGATGAAAAAGCCCAGCTAGCCTTGTAC[A>C]TAAAAGCAACCCAATTCCAAGCCTCAGGGCATATGCACCATTGTGCCGTGGGGGGTTTGT-3'
Protein context (NP_116023.2, residues 621-641): ALRLGIGLLL[Cys631Gly]TRLAGLFHRC

ClinVar aggregate classification (germline): Uncertain significance. Review status: criteria provided, multiple submitters, no conflicts (2 of 4 stars). 2 submissions from 2 submitters: Uncertain significance (2). Last evaluated 2025-04-15.

Conditions:
Hyperphosphatasia with impaired intellectual development syndrome 2. Also called: GLYCOSYLPHOSPHATIDYLINOSITOL BIOSYNTHESIS DEFECT 6; Hyperphosphatasia with intellectual disability syndrome 2. Identifiers: Orphanet 247262, MedGen C3553637, MONDO:0013882, OMIM 614749.

Allele frequency attached by ClinVar (database versions not stated): ESP Exome Variant Server 0.00008; ExAC 0.00006; TOPMed 0.00011; gnomAD 0.00013 and 0.00012; gnomAD exomes 0.00005 and 0.00007.

Submissions (3):

GeneDx
Classification: Uncertain significance. Last evaluated: 2025-04-15. Review status: criteria provided, single submitter. Criteria: GeneDx Variant Classification Process June 2021. Collection method: clinical testing. Allele origin: germline. Affected: yes.
Comment: In silico analysis supports that this missense variant has a deleterious effect on protein structure/function; Has not been previously published as pathogenic or benign to our knowledge

Labcorp Genetics (formerly Invitae), Labcorp
Classification: Uncertain significance for Hyperphosphatasia with impaired intellectual development syndrome 2. Last evaluated: 2022-03-27. Review status: criteria provided, single submitter. Criteria: Invitae Variant Classification Sherloc (09022015). Collection method: clinical testing. Allele origin: germline.
Comment: This sequence change replaces cysteine, which is neutral and slightly polar, with glycine, which is neutral and non-polar, at codon 631 of the PIGO protein (p.Cys631Gly). This variant is present in population databases (rs371800398, gnomAD 0.02%). This variant has not been reported in the literature in individuals affected with PIGO-related conditions. ClinVar contains an entry for this variant (Variation ID: 452334). Algorithms developed to predict the effect of missense changes on protein structure and function (SIFT, PolyPhen-2, Align-GVGD) all suggest that this variant is likely to be tolerated. Algorithms developed to predict the effect of sequence changes on RNA splicing suggest that this variant may create or strengthen a splice site. In summary, the available evidence is currently insufficient to determine the role of this variant in disease. Therefore, it has been classified as a Variant of Uncertain Significance.

Dr. Peter K. Rogan Lab, Western University
No classification provided (evidence only). Condition: Clear cell carcinoma of kidney. Review status: no classification provided. Collection method: in vitro. Allele origin: not applicable. Functional consequence: retained intron. Not counted in ClinVar's aggregate classification.